The following is an entry in ClinVar:

NM_000059.4(BRCA2):c.9423dup (p.Asp3142fs)

Gene: BRCA2 (BRCA2 DNA repair associated; plus strand). Cytogenetic location: 13q13.1.
Variant type: Duplication.
Coding change: c.9423dup on transcript NM_000059.4 (MANE Select); coding-DNA position 9423, one base duplicated (A; older notation c.9423dupA).
Protein change: p.Asp3142fs; shifts the reading frame from aspartic acid 3142.
Molecular consequence: frameshift variant.
Genome position (GRCh38, 1-based): chr13:32,394,855, A duplicated. VCF-style (leftmost placement, unchanged base first): chr13-32394854-G-GA. GRCh37 (hg19) VCF-style: chr13-32968991-G-GA.
Other names: c.9423dupA (NM_000059.3); short protein forms D3142fs.
Identifiers: ClinVar variation 479370 (VCV000479370.5), dbSNP rs1555289589, ClinGen allele CA658656367.

ClinVar aggregate classification (germline): Pathogenic (1 of 4 stars; one submission).

Conditions:
Hereditary cancer-predisposing syndrome. Also called: Neoplastic Syndromes, Hereditary; Hereditary Cancer Syndrome; Hereditary neoplastic syndrome; Tumor predisposition. Identifiers: Orphanet 140162, MedGen C0027672, MeSH D009386, MONDO:0015356.

Submission:

Ambry Genetics
Classification: Pathogenic for Hereditary cancer-predisposing syndrome. Last evaluated: 2016-12-08. Review status: criteria provided, single submitter. Criteria: Ambry Variant Classification Scheme 2023. Collection method: clinical testing. Allele origin: germline.
Comment: The c.9423dupA pathogenic mutation, located in coding exon 24 of the BRCA2 gene, results from a duplication of A at nucleotide position 9423, causing a translational frameshift with a predicted alternate stop codon (p.D3142Rfs*8). This alteration is expected to result in loss of function by premature protein truncation or nonsense-mediated mRNA decay. As such, this alteration is interpreted as a disease-causing mutation.